The following is an entry in ClinVar:

ClinVar aggregate classification (germline): Uncertain significance. Review status: criteria provided, multiple submitters, no conflicts (2 of 4 stars). 3 submissions from 3 submitters: Uncertain significance (3). Last evaluated 2025-05-06.

Conditions:
Inborn genetic diseases. Identifiers: MedGen C0950123, MeSH D030342.

Allele frequency attached by ClinVar (database versions not stated): ExAC 0.00001; gnomAD exomes 0.00002 and 0.00003; TOPMed 0.00002.
gnomAD v4.1: 11 of 1,613,828 alleles (0.00068%); highest among the groups gnomAD compares: Admixed American, 0.018%; no homozygotes.

Submissions (3):

Ambry Genetics
Classification: Uncertain significance for Inborn genetic diseases. Last evaluated: 2025-05-06. Review status: criteria provided, single submitter. Criteria: Ambry Variant Classification Scheme 2023. Collection method: clinical testing. Allele origin: germline.

Blueprint Genetics
Classification: Uncertain significance. Last evaluated: 2022-11-01. Review status: criteria provided, single submitter. Criteria: ACMG Guidelines, 2015. Collection method: clinical testing. Allele origin: germline.

Labcorp Genetics (formerly Invitae), Labcorp
Classification: Uncertain significance. Last evaluated: 2022-08-09. Review status: criteria provided, single submitter. Criteria: Invitae Variant Classification Sherloc (09022015). Collection method: clinical testing. Allele origin: germline.
Comment: This sequence change replaces aspartic acid, which is acidic and polar, with valine, which is neutral and non-polar, at codon 357 of the TTLL5 protein (p.Asp357Val). This variant is present in population databases (rs756216913, gnomAD 0.02%). This variant has not been reported in the literature in individuals affected with TTLL5-related conditions. ClinVar contains an entry for this variant (Variation ID: 1371818). Algorithms developed to predict the effect of missense changes on protein structure and function are either unavailable or do not agree on the potential impact of this missense change (SIFT: "Deleterious"; PolyPhen-2: "Probably Damaging"; Align-GVGD: "Class C15"). In summary, the available evidence is currently insufficient to determine the role of this variant in disease. Therefore, it has been classified as a Variant of Uncertain Significance.

NM_015072.5(TTLL5):c.1070A>T (p.Asp357Val)

Gene: TTLL5 (tubulin tyrosine ligase like 5; plus strand). Cytogenetic location: 14q24.3.
Variant type: single nucleotide variant.
Coding change: c.1070A>T on transcript NM_015072.5 (MANE Select); coding-DNA position 1070, A replaced by T.
Protein change: p.Asp357Val; replaces aspartic acid 357 with valine.
Molecular consequence: missense variant.
Genome position (GRCh38, 1-based): chr14:75,732,365, A>T. VCF-style: chr14-75732365-A-T. GRCh37 (hg19) VCF-style: chr14-76198708-A-T.
Other names: c.1070A>T (NM_015072.4); short protein forms D357V.
Identifiers: ClinVar variation 1371818 (VCV001371818.5), dbSNP rs756216913, ClinGen allele CA7279230.